The following is an entry in ClinVar:

ClinVar aggregate classification (germline): Uncertain significance. Review status: criteria provided, multiple submitters, no conflicts (2 of 4 stars). 2 submissions from 2 submitters: Uncertain significance (2). Last evaluated 2025-01-24.

Conditions:
Inborn genetic diseases. Identifiers: MedGen C0950123, MeSH D030342.

Allele frequency attached by ClinVar (database versions not stated): gnomAD 0.00003 and 0.00004; gnomAD exomes 0.00004.

Submissions (2):

Ambry Genetics
Classification: Uncertain significance for Inborn genetic diseases. Last evaluated: 2025-01-24. Review status: criteria provided, single submitter. Criteria: Ambry Variant Classification Scheme 2023. Collection method: clinical testing. Allele origin: germline.

Labcorp Genetics (formerly Invitae), Labcorp
Classification: Uncertain significance. Last evaluated: 2021-09-24. Review status: criteria provided, single submitter. Criteria: Invitae Variant Classification Sherloc (09022015). Collection method: clinical testing. Allele origin: germline.
Comment: This sequence change replaces arginine with histidine at codon 363 of the HSPG2 protein (p.Arg363His). The arginine residue is weakly conserved and there is a small physicochemical difference between arginine and histidine. This variant is present in population databases (rs369731733, ExAC 0.02%). This variant has not been reported in the literature in individuals with HSPG2-related conditions. Algorithms developed to predict the effect of missense changes on protein structure and function output the following: SIFT: "Tolerated"; PolyPhen-2: "Benign"; Align-GVGD: "Class C0". The histidine amino acid residue is found in multiple mammalian species, suggesting that this missense change does not adversely affect protein function. These predictions have not been confirmed by published functional studies and their clinical significance is uncertain. In summary, the available evidence is currently insufficient to determine the role of this variant in disease. Therefore, it has been classified as a Variant of Uncertain Significance.

NM_005529.7(HSPG2):c.1088G>A (p.Arg363His)

Gene: HSPG2 (heparan sulfate proteoglycan 2; minus strand). Cytogenetic location: 1p36.12.
Variant type: single nucleotide variant.
Coding change: c.1088G>A on transcript NM_005529.7 (MANE Select); coding-DNA position 1088, G replaced by A.
Protein change: p.Arg363His; replaces arginine 363 with histidine.
Molecular consequence: missense variant.
Genome position (GRCh38, 1-based): chr1:21,885,442, C>T on the plus strand (G>A on the coding strand, the complement: HSPG2 is on the minus strand). VCF-style: chr1-21885442-C-T. GRCh37 (hg19) VCF-style: chr1-22211935-C-T.
Other names: c.1088G>A, p.Arg363His (NM_001291860.2); c.1088G>A (NM_005529.5); short protein forms R363H.
Identifiers: ClinVar variation 1353655 (VCV001353655.6), dbSNP rs369731733, ClinGen allele CA673567.